The following is an entry in ClinVar:

NM_152419.3(HGSNAT):c.564-1G>A

Gene: HGSNAT (heparan-alpha-glucosaminide N-acetyltransferase; plus strand). Cytogenetic location: 8p11.21.
Variant type: single nucleotide variant.
Coding change: c.564-1G>A on transcript NM_152419.3 (MANE Select); the canonical splice acceptor site of the intron before coding-DNA position 564, G replaced by A.
Molecular consequence: splice acceptor variant.
Genome position (GRCh38, 1-based): chr8:43,169,172, G>A. VCF-style: chr8-43169172-G-A. GRCh37 (hg19) VCF-style: chr8-43024315-G-A.
Other names: c.-270-1G>A (NM_001363229.2); c.564-1G>A (NM_001363228.2, NM_001363227.2).
Identifiers: ClinVar variation 2108135 (VCV002108135.4), dbSNP rs1242842147, ClinGen allele CA371115883.

ClinVar aggregate classification (germline): Likely pathogenic (1 of 4 stars; one submission).

Conditions:
Mucopolysaccharidosis, MPS-III-C (MPS3C). Also called: SANFILIPPO SYNDROME C; MPS III C; mucopolysaccharidosis type 3C; MUCOPOLYSACCHARIDOSIS, TYPE IIIC; MPS IIIC (Sanfilippo Syndrome Type C); Mucopolysaccharidosis type IIIC (Sanfilippo C). Identifiers: Orphanet 581, Orphanet 79271, MedGen C0086649, MONDO:0009657, OMIM 252930.
Retinitis pigmentosa 73 (RP73). Identifiers: Orphanet 791, MedGen C4225287, MONDO:0014687, OMIM 616544.

Allele frequency attached by ClinVar (database versions not stated): gnomAD 0.00001.

Submission:

Labcorp Genetics (formerly Invitae), Labcorp
Classification: Likely pathogenic for Retinitis pigmentosa 73; Mucopolysaccharidosis, MPS-III-C. Last evaluated: 2022-03-09. Review status: criteria provided, single submitter. Criteria: Invitae Variant Classification Sherloc (09022015). Collection method: clinical testing. Allele origin: germline.
Comment: In summary, the currently available evidence indicates that the variant is pathogenic, but additional data are needed to prove that conclusively. Therefore, this variant has been classified as Likely Pathogenic. Algorithms developed to predict the effect of sequence changes on RNA splicing suggest that this variant may disrupt the consensus splice site. This variant has not been reported in the literature in individuals affected with HGSNAT-related conditions. This variant is not present in population databases (gnomAD no frequency). This sequence change affects an acceptor splice site in intron 5 of the HGSNAT gene. It is expected to disrupt RNA splicing. Variants that disrupt the donor or acceptor splice site typically lead to a loss of protein function (PMID: 16199547), and loss-of-function variants in HGSNAT are known to be pathogenic (PMID: 17033958, 19479962).

Literature cited by the submitters: PubMed 16199547; PubMed 17033958; PubMed 19479962.